The following is an entry in ClinVar:

NM_003055.3(SLC18A3):c.1_16del (p.Met1fs)

Genes: CHAT (choline O-acetyltransferase; plus strand), SLC18A3 (solute carrier family 18 member A3; plus strand). Cytogenetic location: 10q11.23.
Variant type: Deletion.
Coding change: c.1_16del on transcript NM_003055.3 (MANE Select); coding-DNA positions 1 to 16, 16 bases deleted (ATGGAATCCGCGGAAC).
Protein change: p.Met1fs; shifts the reading frame from methionine 1.
Molecular consequence: frameshift variant, initiator codon variant. On other transcripts: intron variant (1).
Genome position (GRCh38, 1-based): chr10:49,610,741-49,610,756, ATGGAATCCGCGGAAC deleted; deleting any 16 consecutive bases within chr10:49,610,740-49,610,756 gives the same sequence; the c. name uses the placement nearest the transcript's 3' end. VCF-style (leftmost placement, unchanged base first): chr10-49610739-GCATGGAATCCGCGGAA-G. GRCh37 (hg19) VCF-style: chr10-50818785-GCATGGAATCCGCGGAA-G.
Other names: c.-69+1542_-69+1557del (NM_020984.4); short protein forms M1fs.
Identifiers: ClinVar variation 4995717 (VCV004995717.1).

ClinVar aggregate classification (germline): Uncertain significance (1 of 4 stars; one submission).

Conditions:
SLC18A3-related disorder. Also called: SLC18A3-related condition.

Submission:

PreventionGenetics, part of Exact Sciences
Classification: Uncertain significance for SLC18A3-related condition. Last evaluated: 2025-11-10. Review status: criteria provided, single submitter. Criteria: ACMG Guidelines, 2015. Collection method: clinical testing. Allele origin: germline.
Comment: The SLC18A3 c.1_16del16 variant is predicted to disrupt the translation initiation site (Start Loss). To our knowledge, this variant has not been reported in the literature. This variant disrupts the starting methionine residue; however, multiple in-frame methionines (Met) occur downstream of this variant in exon #1 (p.Met48 and p.Met51). If utilized, these may reinitiate translation. This variant is reported in 0.0021% of alleles in individuals of European (Non-Finnish) descent in gnomAD. Although we suspect this variant may be pathogenic, at this time, the clinical significance of this variant is uncertain due to the absence of conclusive functional and genetic evidence.